The following is an entry in ClinVar:

NM_005336.6(HDLBP):c.3591C>T (p.Tyr1197=)

Genes: ANO7 (anoctamin 7; plus strand), HDLBP (high density lipoprotein binding protein; minus strand). Cytogenetic location: 2q37.3.
Variant type: single nucleotide variant.
Coding change: c.3591C>T on transcript NM_005336.6 (MANE Select); coding-DNA position 3591, C replaced by T.
Protein change: p.Tyr1197=; no amino-acid change (tyrosine 1197 retained).
Molecular consequence: synonymous variant.
Genome position (GRCh38, 1-based): chr2:241,230,153, G>A on the plus strand (C>T on the coding strand, the complement: HDLBP is on the minus strand). VCF-style: chr2-241230153-G-A. GRCh37 (hg19) VCF-style: chr2-242169568-G-A.
Other names: c.3492C>T, p.Tyr1164= (NM_001243900.3); c.3591C>T, p.Tyr1197= (NM_001320965.3, NM_001320966.3, NM_001320967.3 and 1 more transcripts).
Identifiers: ClinVar variation 3047637 (VCV003047637.2), dbSNP rs369738368, ClinGen allele CA2215949.

ClinVar aggregate classification (germline): Likely benign (0 of 4 stars; one submission).

Conditions:
HDLBP-related disorder. Also called: HDLBP-related condition.

Allele frequency attached by ClinVar (database versions not stated): ExAC 0.00002; gnomAD exomes 0.00007; ESP Exome Variant Server 0.00008; TOPMed 0.00010; gnomAD 0.00011.
gnomAD v4.1: 127 of 1,609,588 alleles (0.0079%); highest among the groups gnomAD compares: Admixed American, 0.017%; no homozygotes.

Submission:

PreventionGenetics, part of Exact Sciences
Classification: Likely benign for HDLBP-related condition. Last evaluated: 2019-03-14. Review status: no assertion criteria provided. Collection method: clinical testing. Allele origin: germline.
Comment: This variant is classified as likely benign based on ACMG/AMP sequence variant interpretation guidelines (Richards et al. 2015 PMID: 25741868, with internal and published modifications).